The following is an entry in ClinVar:

NM_001042492.3(NF1):c.1261-2A>G

Gene: NF1 (neurofibromin 1; plus strand). Cytogenetic location: 17q11.2.
Variant type: single nucleotide variant.
Coding change: c.1261-2A>G on transcript NM_001042492.3 (MANE Select); the canonical splice acceptor site of the intron before coding-DNA position 1261, A replaced by G.
Molecular consequence: splice acceptor variant.
Genome position (GRCh38, 1-based): chr17:31,206,238, A>G. VCF-style: chr17-31206238-A-G. GRCh37 (hg19) VCF-style: chr17-29533256-A-G.
Other names: c.1261-2A>G (NM_000267.4, NM_001128147.3).
Identifiers: ClinVar variation 855635 (VCV000855635.10), dbSNP rs2066618684, ClinGen allele CA398999041.
Genomic context (GRCh38, chr17:31,206,238, plus strand): 5'-CAGAGCATACAACTCACGTAATTTTGTACTTTTTCTTCCTATTGGTCTTTGTTTTTCTCT[A>G]GTCCGCATTGGATTGGTGGCCTAAGATTGATGCTGTGTATTGTCACTCGGTTGAACTTCG-3'

ClinVar aggregate classification (germline): Pathogenic. Review status: criteria provided, multiple submitters, no conflicts (2 of 4 stars). 3 submissions from 3 submitters: Pathogenic (3). Last evaluated 2026-01-07.

Conditions:
Hereditary cancer-predisposing syndrome. Also called: Hereditary neoplastic syndrome; Tumor predisposition; Neoplastic Syndromes, Hereditary; Hereditary Cancer Syndrome. Identifiers: Orphanet 140162, MedGen C0027672, MeSH D009386, MONDO:0015356.
Cardiovascular phenotype. Identifiers: MedGen CN230736.
Neurofibromatosis, type 1 (NF1). Also called: Neurofibromatosis, type I; VON RECKLINGHAUSEN DISEASE; Peripheral type neurofibromatosis; NEUROFIBROMATOSIS, TYPE I, SOMATIC. Identifiers: Orphanet 636, MedGen C0027831, MONDO:0018975, OMIM 162200. Disease mechanism: loss of function.

Submissions (3):

Labcorp Genetics (formerly Invitae), Labcorp
Classification: Pathogenic for Neurofibromatosis, type 1. Last evaluated: 2026-01-07. Review status: criteria provided, single submitter. Criteria: Invitae Variant Classification Sherloc (09022015). Collection method: clinical testing. Allele origin: germline.
Comment: This sequence change affects an acceptor splice site in intron 11 of the NF1 gene. RNA analysis indicates that disruption of this splice site induces altered splicing and likely results in the loss of 8 amino acid residue(s), but is expected to preserve the integrity of the reading-frame. This variant is not present in population databases (gnomAD no frequency). Disruption of this splice site has been observed in individuals with neurofibromatosis type 1 (PMID: 18041031, 18546366, 24232412, 29618358). Invitae Evidence Modeling of clinical and family history, age, sex, and reported ancestry of multiple individuals with this NF1 variant has been performed. This variant is expected to be pathogenic with a positive predictive value of at least 99%. This is a validated machine learning model that incorporates the clinical features of 1,785,918 individuals referred to our laboratory for NF1 testing. ClinVar contains an entry for this variant (Variation ID: 855635). Studies have shown that disruption of this splice site results in the activation of a cryptic splice site in exon 12 (internal data). For these reasons, this variant has been classified as Pathogenic.

Ambry Genetics
Classification: Pathogenic for Cardiovascular phenotype; Hereditary cancer-predisposing syndrome. Last evaluated: 2023-03-28. Review status: criteria provided, single submitter. Criteria: Ambry Variant Classification Scheme 2023. Collection method: clinical testing. Allele origin: germline.
Comment: The c.1261-2A>G intronic pathogenic mutation results from an A to G substitution two nucleotides upstream from coding exon 12 in the NF1 gene. This variant is considered to be rare based on population cohorts in the Genome Aggregation Database (gnomAD). This nucleotide position is highly conserved in available vertebrate species. In silico splice site analysis predicts that this alteration will weaken the native splice acceptor site and will result in the creation or strengthening of a novel splice acceptor site. RNA studies have demonstrated that this alteration results in abnormal splicing in the set of samples tested (Ambry internal data). Alterations that disrupt the canonical splice site are expected to cause aberrant splicing, resulting in an abnormal protein or a transcript that is subject to nonsense-mediated mRNA decay. As such, this alteration is classified as a disease-causing mutation.

GeneDx
Classification: Pathogenic. Last evaluated: 2022-06-10. Review status: criteria provided, single submitter. Criteria: GeneDx Variant Classification Process June 2021. Collection method: clinical testing. Allele origin: germline. Affected: yes.
Comment: Canonical splice site variant expected to result in aberrant splicing, although in the absence of functional evidence the actual effect of this sequence change is unknown.; Deletions involving coding exons of this gene are a known mechanism of disease (HGMD); Observed in individuals with a personal or family history consistent with pathogenic variants in this gene (Pros 2008); Not observed at significant frequency in large population cohorts (gnomAD); Also known as IVS9-2A>G; This variant is associated with the following publications: (PMID: 25525159, 18546366)

Literature cited by the submitters: PubMed 18041031 (cited by Labcorp Genetics (formerly Invitae), Labcorp); PubMed 18546366 (cited by Labcorp Genetics (formerly Invitae), Labcorp); PubMed 24232412 (cited by Labcorp Genetics (formerly Invitae), Labcorp); PubMed 29618358 (cited by Labcorp Genetics (formerly Invitae), Labcorp).